The following is an entry in ClinVar:

NM_007294.4(BRCA1):c.1129del (p.Ser377fs)

Gene: BRCA1 (BRCA1 DNA repair associated; minus strand). Cytogenetic location: 17q21.31.
Variant type: Deletion.
Coding change: c.1129del on transcript NM_007294.4 (MANE Select); coding-DNA position 1129, one base deleted (A; older notation c.1129delA).
Protein change: p.Ser377fs; shifts the reading frame from serine 377.
Molecular consequence: frameshift variant. On other transcripts: intron variant (137).
Genome position (GRCh38, 1-based): chr17:43,094,402, T deleted on the plus strand (A on the coding strand, the reverse complement: BRCA1 is on the minus strand). VCF-style (leftmost placement, unchanged base first): chr17-43094401-CT-C. GRCh37 (hg19) VCF-style: chr17-41246418-CT-C.
Other names: c.916del, p.Ser306fs (NM_001407571.1, NM_001407853.1, NM_001407894.1 and 9 more transcripts); c.1129del, p.Ser377fs (NM_001407581.1, NM_001407582.1, NM_001407583.1 and 30 more transcripts); c.1126del, p.Ser376fs (NM_001407587.1, NM_001407590.1, NM_001407591.1 and 22 more transcripts); c.1120del, p.Ser374fs (NM_001407646.1, NM_001407647.1); c.1006del, p.Ser336fs (NM_001407648.1, NM_001407664.1, NM_001407665.1 and 19 more transcripts); c.1003del, p.Ser335fs (NM_001407649.1, NM_001407670.1, NM_001407671.1 and 11 more transcripts); c.1051del, p.Ser351fs (NM_001407653.1, NM_001407654.1, NM_001407655.1 and 4 more transcripts); c.1048del, p.Ser350fs (NM_001407659.1, NM_001407660.1, NM_001407661.1 and 1 more transcripts); and 41 more; short protein forms S330fs, S377fs, S250fs, S288fs, S306fs, S309fs, S350fs, S289fs.
Identifiers: ClinVar variation 946950 (VCV000946950.12), dbSNP rs2053988613, ClinGen allele CA1139664796.

ClinVar aggregate classification (germline): Pathogenic. Review status: criteria provided, multiple submitters, no conflicts (2 of 4 stars). 3 submissions from 3 submitters: Pathogenic (3). Last evaluated 2022-12-28.

Conditions:
Hereditary breast ovarian cancer syndrome. Also called: Hereditary breast and ovarian cancer syndrome (HBOC); Hereditary breast and/or ovarian cancer syndrome; Hereditary breast and ovarian cancer; BRCA1- and BRCA2-Associated Hereditary Breast and Ovarian Cancer; Hereditary breast and ovarian cancer syndrome; Breast and ovarian cancer. Identifiers: Orphanet 145, MedGen C0677776, MeSH D061325, MONDO:0003582. Disease mechanism: loss of function.
Breast-ovarian cancer, familial, susceptibility to, 1 (BROVCA1). Also called: BRCA1 Hereditary Breast and Ovarian Cancer; OVARIAN CANCER, SUSCEPTIBILITY TO. Identifiers: Orphanet 145, MedGen C2676676, MONDO:0011450, OMIM 604370. Disease mechanism: loss of function.
Hereditary cancer-predisposing syndrome. Also called: Hereditary neoplastic syndrome; Tumor predisposition; Neoplastic Syndromes, Hereditary; Hereditary Cancer Syndrome. Identifiers: Orphanet 140162, MedGen C0027672, MeSH D009386, MONDO:0015356.

Submissions (3):

Baylor Genetics
Classification: Pathogenic for Breast-ovarian cancer, familial, susceptibility to, 1. Last evaluated: 2022-12-28. Review status: criteria provided, single submitter. Criteria: ACMG Guidelines, 2015. Collection method: clinical testing. Allele origin: unknown.

Labcorp Genetics (formerly Invitae), Labcorp
Classification: Pathogenic for Hereditary breast ovarian cancer syndrome. Last evaluated: 2019-06-24. Review status: criteria provided, single submitter. Criteria: Invitae Variant Classification Sherloc (09022015). Collection method: clinical testing. Allele origin: germline.
Comment: For these reasons, this variant has been classified as Pathogenic. Loss-of-function variants in BRCA1 are known to be pathogenic (PMID: 20104584). This variant has not been reported in the literature in individuals with BRCA1-related conditions. This variant is not present in population databases (ExAC no frequency). This sequence change creates a premature translational stop signal (p.Ser377Alafs*17) in the BRCA1 gene. It is expected to result in an absent or disrupted protein product.

Ambry Genetics
Classification: Pathogenic for Hereditary cancer-predisposing syndrome. Last evaluated: 2019-02-19. Review status: criteria provided, single submitter. Criteria: Ambry Variant Classification Scheme 2023. Collection method: clinical testing. Allele origin: germline.
Comment: The c.1129delA pathogenic mutation, located in coding exon 9 of the BRCA1 gene, results from a deletion of one nucleotide at nucleotide position 1129, causing a translational frameshift with a predicted alternate stop codon (p.S377Afs*17). In addition to the clinical data presented in the literature, this alteration is expected to result in loss of function by premature protein truncation or nonsense-mediated mRNA decay. As such, this alteration is interpreted as a disease-causing mutation.

Literature cited by the submitters: PubMed 20104584 (cited by Labcorp Genetics (formerly Invitae), Labcorp); PubMed 10874312 (cited by Ambry Genetics).